The following is an entry in ClinVar:

NM_003737.4(DCHS1):c.8972G>A (p.Arg2991Gln)

Gene: DCHS1 (dachsous cadherin-related 1; minus strand). Cytogenetic location: 11p15.4.
Variant type: single nucleotide variant.
Coding change: c.8972G>A on transcript NM_003737.4 (MANE Select); coding-DNA position 8972, G replaced by A.
Protein change: p.Arg2991Gln; replaces arginine 2991 with glutamine.
Molecular consequence: missense variant.
Genome position (GRCh38, 1-based): chr11:6,622,704, C>T on the plus strand (G>A on the coding strand, the complement: DCHS1 is on the minus strand). VCF-style: chr11-6622704-C-T. GRCh37 (hg19) VCF-style: chr11-6643935-C-T.
Other names: short protein forms R2991Q.
Identifiers: ClinVar variation 1675259 (VCV001675259.10), dbSNP rs200152314, ClinGen allele CA5859319.
Genomic context (GRCh38, chr11:6,622,704, plus strand): 5'-CCATAGCTGGGAAGAGTCTGGTGATAGAGGTGCTCAGAGGGTGGTGGACTAGGTGGCTCC[C>T]GGCCCAGTTTCTGCAGTGAGTCACTGGCTAGGGGTGCTGCCTGTGACATTGGGCCAGGGG-3'
Protein context (NP_003728.1, residues 2981-3001): LASDSLQKLG[Arg2991Gln]EPPSPPPSEH

ClinVar aggregate classification (germline): Conflicting classifications of pathogenicity. Review status: criteria provided, conflicting classifications (1 of 4 stars). 4 submissions from 4 submitters: Uncertain significance (3); Likely benign (1). Last evaluated 2025-11-10.

Allele frequency attached by ClinVar (database versions not stated): 1000 Genomes Project 0.00080; 1000 Genomes Project 30x 0.00109.
gnomAD v4.1: 96 of 1,591,940 alleles (0.006%); highest among the groups gnomAD compares: Middle Eastern, 0.13%; no homozygotes.

Submissions (4):

Labcorp Genetics (formerly Invitae), Labcorp
Classification: Likely benign. Last evaluated: 2025-11-10. Review status: criteria provided, single submitter. Criteria: Invitae Variant Classification Sherloc (09022015). Collection method: clinical testing. Allele origin: germline.

Revvity Omics, Revvity
Classification: Uncertain significance. Last evaluated: 2023-10-30. Review status: criteria provided, single submitter. Criteria: ACMG Guidelines, 2015. Collection method: clinical testing. Allele origin: germline.

GeneDx
Classification: Uncertain significance. Last evaluated: 2022-03-18. Review status: criteria provided, single submitter. Criteria: GeneDx Variant Classification Process June 2021. Collection method: clinical testing. Allele origin: germline. Affected: yes.
Comment: In silico analysis supports that this missense variant does not alter protein structure/function; Has not been previously published as pathogenic or benign to our knowledge

Breakthrough Genomics
Classification: Uncertain significance. Review status: criteria provided, single submitter. Criteria: ACMG Guidelines, 2015. Collection method: not provided. Allele origin: germline. Inheritance: Autosomal recessive inheritance. Affected: yes.